The following is an entry in ClinVar:

NM_004456.5(EZH2):c.1672+5G>T

Gene: EZH2 (enhancer of zeste 2 polycomb repressive complex 2 subunit; minus strand). Cytogenetic location: 7q36.1.
Variant type: single nucleotide variant.
Coding change: c.1672+5G>T on transcript NM_004456.5 (MANE Select); 5 bases into the intron after coding-DNA position 1672, G replaced by T.
Molecular consequence: intron variant.
Genome position (GRCh38, 1-based): chr7:148,814,909, C>A on the plus strand (G>T on the coding strand, the complement: EZH2 is on the minus strand). VCF-style: chr7-148814909-C-A. GRCh37 (hg19) VCF-style: chr7-148512001-C-A.
Other names: c.1630+5G>T (NM_001203248.2); c.1540+5G>T (NM_152998.3); c.1657+5G>T (NM_001203247.2); c.1504+597G>T (NM_001203249.2).
Identifiers: ClinVar variation 3731029 (VCV003731029.1).

ClinVar aggregate classification (germline): Uncertain significance (1 of 4 stars; one submission).

Submission:

GeneDx
Classification: Uncertain significance. Last evaluated: 2024-08-07. Review status: criteria provided, single submitter. Criteria: GeneDx Variant Classification Process June 2021. Collection method: clinical testing. Allele origin: germline. Affected: yes.
Comment: Not observed at significant frequency in large population cohorts (gnomAD); Has not been previously published as pathogenic or benign to our knowledge; In silico analysis is inconclusive as to whether the variant alters gene splicing. In the absence of RNA/functional studies, the actual effect of this sequence change is unknown.